The following is an entry in ClinVar:

ClinVar aggregate classification (germline): Uncertain significance (1 of 4 stars; one submission).

Conditions:
Pancreatic adenocarcinoma. Identifiers: MedGen C0281361, MONDO:0006047, HP:0006725.

Allele frequency attached by ClinVar (database versions not stated): gnomAD exomes below 0.00001; TOPMed 0.00001.
gnomAD v4.1: 2 of 1,473,844 alleles (0.00014%); highest among the groups gnomAD compares: Admixed American, 0.0024%; no homozygotes.

Submission:

Labcorp Genetics (formerly Invitae), Labcorp
Classification: Uncertain significance for Pancreatic adenocarcinoma. Last evaluated: 2020-07-16. Review status: criteria provided, single submitter. Criteria: Invitae Variant Classification Sherloc (09022015). Collection method: clinical testing. Allele origin: germline.
Comment: In summary, the available evidence is currently insufficient to determine the role of this variant in disease. Therefore, it has been classified as a Variant of Uncertain Significance. Algorithms developed to predict the effect of missense changes on protein structure and function (SIFT, PolyPhen-2, Align-GVGD) all suggest that this variant is likely to be tolerated, but these predictions have not been confirmed by published functional studies and their clinical significance is uncertain. This variant has not been reported in the literature in individuals with PALLD-related conditions. The frequency data for this variant in the population databases is considered unreliable, as metrics indicate insufficient coverage at this position in the ExAC database. This sequence change replaces proline with serine at codon 58 of the PALLD protein (p.Pro58Ser). The proline residue is highly conserved and there is a moderate physicochemical difference between proline and serine.

NM_001166108.2(PALLD):c.1965-12859C>T

Gene: PALLD (palladin, cytoskeletal associated protein; plus strand). Cytogenetic location: 4q32.3.
Variant type: single nucleotide variant.
Coding change: c.1965-12859C>T on transcript NM_001166108.2 (MANE Select); 12859 bases into the intron before coding-DNA position 1965, C replaced by T.
Molecular consequence: intron variant. On other transcripts: missense variant (1).
Genome position (GRCh38, 1-based): chr4:168,878,063, C>T. VCF-style: chr4-168878063-C-T. GRCh37 (hg19) VCF-style: chr4-169799214-C-T.
Other names: c.172C>T, p.Pro58Ser (NM_001166110.2); c.1965-12859C>T (NM_016081.4); c.819-12859C>T (NM_001166109.2); c.-157-12859C>T (NM_001367570.1, NM_001367568.1, NM_001367567.1 and 1 more transcripts); short protein forms P58S.
Identifiers: ClinVar variation 1040998 (VCV001040998.8), dbSNP rs1752033511, ClinGen allele CA358795345.